The following is an entry in ClinVar:

NM_003052.5(SLC34A1):c.1627G>C (p.Gly543Arg)

Gene: SLC34A1 (solute carrier family 34 member 1; plus strand). Cytogenetic location: 5q35.3.
Variant type: single nucleotide variant.
Coding change: c.1627G>C on transcript NM_003052.5 (MANE Select); coding-DNA position 1627, G replaced by C.
Protein change: p.Gly543Arg; replaces glycine 543 with arginine.
Molecular consequence: missense variant.
Genome position (GRCh38, 1-based): chr5:177,397,993, G>C. VCF-style: chr5-177397993-G-C. GRCh37 (hg19) VCF-style: chr5-176824994-G-C.
Other names: short protein forms G543R.
Identifiers: ClinVar variation 3781255 (VCV003781255.1).

ClinVar aggregate classification (germline): Uncertain significance (1 of 4 stars; one submission).

Submission:

GeneDx
Classification: Uncertain significance. Last evaluated: 2024-10-17. Review status: criteria provided, single submitter. Criteria: GeneDx Variant Classification Process June 2021. Collection method: clinical testing. Allele origin: germline. Affected: yes.
Comment: Not observed at significant frequency in large population cohorts (gnomAD); In silico analysis supports that this missense variant has a deleterious effect on protein structure/function; Has not been previously published as pathogenic or benign to our knowledge